The following is an entry in ClinVar:

NM_000057.4(BLM):c.116A>T (p.Lys39Met)

Gene: BLM (BLM RecQ like helicase; plus strand). Cytogenetic location: 15q26.1.
Variant type: single nucleotide variant.
Coding change: c.116A>T on transcript NM_000057.4 (MANE Select); coding-DNA position 116, A replaced by T.
Protein change: p.Lys39Met; replaces lysine 39 with methionine.
Molecular consequence: missense variant. On other transcripts: 5 prime UTR variant (1).
Genome position (GRCh38, 1-based): chr15:90,749,384, A>T. VCF-style: chr15-90749384-A-T. GRCh37 (hg19) VCF-style: chr15-91292614-A-T.
Other names: c.116A>T, p.Lys39Met (NM_001287246.2, NM_001287247.2); c.-1176A>T (NM_001287248.2); short protein forms K39M.
Identifiers: ClinVar variation 1739101 (VCV001739101.2), dbSNP rs2505390131, ClinGen allele CA393839348.

ClinVar aggregate classification (germline): Uncertain significance (1 of 4 stars; one submission).

Conditions:
Hereditary cancer-predisposing syndrome. Also called: Hereditary Cancer Syndrome; Hereditary neoplastic syndrome; Neoplastic Syndromes, Hereditary; Tumor predisposition. Identifiers: Orphanet 140162, MedGen C0027672, MeSH D009386, MONDO:0015356.

Submission:

Ambry Genetics
Classification: Uncertain significance for Hereditary cancer-predisposing syndrome. Last evaluated: 2022-07-05. Review status: criteria provided, single submitter. Criteria: Ambry Variant Classification Scheme 2023. Collection method: clinical testing. Allele origin: germline.
Comment: The p.K39M variant (also known as c.116A>T), located in coding exon 2 of the BLM gene, results from an A to T substitution at nucleotide position 116. The lysine at codon 39 is replaced by methionine, an amino acid with similar properties. This amino acid position is conserved. In addition, the in silico prediction for this alteration is inconclusive. Since supporting evidence is limited at this time, the clinical significance of this alteration remains unclear.